The following is an entry in ClinVar:

NM_003966.3(SEMA5A):c.1781+5G>T

Gene: SEMA5A (semaphorin 5A; minus strand). Cytogenetic location: 5p15.31.
Variant type: single nucleotide variant.
Coding change: c.1781+5G>T on transcript NM_003966.3 (MANE Select); 5 bases into the intron after coding-DNA position 1781, G replaced by T.
Molecular consequence: intron variant.
Genome position (GRCh38, 1-based): chr5:9,122,651, C>A on the plus strand (G>T on the coding strand, the complement: SEMA5A is on the minus strand). VCF-style: chr5-9122651-C-A. GRCh37 (hg19) VCF-style: chr5-9122763-C-A.
Identifiers: ClinVar variation 3033704 (VCV003033704.2), dbSNP rs2477727504, ClinGen allele CA2673215294.

ClinVar aggregate classification (germline): Uncertain significance (0 of 4 stars; one submission).

Conditions:
SEMA5A-related disorder. Also called: SEMA5A-related condition.

Submission:

PreventionGenetics, part of Exact Sciences
Classification: Uncertain significance for SEMA5A-related condition. Last evaluated: 2024-01-12. Review status: no assertion criteria provided. Collection method: clinical testing. Allele origin: germline.
Comment: The SEMA5A c.1781+5G>T variant is predicted to interfere with splicing. This variant is predicted to alter splicing based on available splicing prediction programs (SpliceAI, Jaganathan et al. 2019. PubMed ID: 30661751). However, the use of computer prediction programs is not equivalent to functional evidence. To our knowledge, this variant has not been reported in the literature or in a large population database, indicating this variant is rare. At this time, the clinical significance of this variant is uncertain due to the absence of conclusive functional and genetic evidence.